The following is an entry in ClinVar:

ClinVar aggregate classification (germline): Uncertain significance. Review status: criteria provided, multiple submitters, no conflicts (2 of 4 stars). 2 submissions from 2 submitters: Uncertain significance (2). Last evaluated 2024-11-01.

Conditions:
Familial acute necrotizing encephalopathy (IIAE3). Also called: ENCEPHALOPATHY, ACUTE, INFECTION-INDUCED, SUSCEPTIBILITY TO, 3; Susceptibility to Acute Necrotizing Encephalopathy 1. Identifiers: Orphanet 88619, MedGen C2675556, MONDO:0011953, OMIM 608033.

Allele frequency attached by ClinVar (database versions not stated): gnomAD exomes 0.00002.

Submissions (2):

Dasa
Classification: Uncertain significance. Last evaluated: 2024-11-01. Review status: criteria provided, single submitter. Criteria: DASA Assertion Criteria. Collection method: clinical testing. Allele origin: germline.
Comment: NM_006267.5(RANBP2):c.4949C>T (p.Thr1650Ile) is a missense variant that results in the substitution of threonine with isoleucine. This variant is rare in population databases. Computational prediction algorithms are consistent with a benign effect. The currently available literature and clinical evidence are not sufficient to establish a definitive association between this variant and the reported condition. Therefore, this variant is classified as a variant of uncertain significance.

Labcorp Genetics (formerly Invitae), Labcorp
Classification: Uncertain significance for Familial acute necrotizing encephalopathy. Last evaluated: 2019-05-19. Review status: criteria provided, single submitter. Criteria: Invitae Variant Classification Sherloc (09022015). Collection method: clinical testing. Allele origin: germline.
Comment: This variant is not present in population databases (ExAC no frequency). This sequence change replaces threonine with isoleucine at codon 1650 of the RANBP2 protein (p.Thr1650Ile). The threonine residue is moderately conserved and there is a moderate physicochemical difference between threonine and isoleucine. This variant has not been reported in the literature in individuals with RANBP2-related conditions. Algorithms developed to predict the effect of missense changes on protein structure and function output the following: SIFT: "Tolerated"; PolyPhen-2: "Benign"; Align-GVGD: "Class C0". The isoleucine amino acid residue is found in multiple mammalian species, suggesting that this missense change does not adversely affect protein function. These predictions have not been confirmed by published functional studies and their clinical significance is uncertain. In summary, the available evidence is currently insufficient to determine the role of this variant in disease. Therefore, it has been classified as a Variant of Uncertain Significance.

NM_006267.5(RANBP2):c.4949C>T (p.Thr1650Ile)

Gene: RANBP2 (RAN binding protein 2; plus strand). Cytogenetic location: 2q13.
Variant type: single nucleotide variant.
Coding change: c.4949C>T on transcript NM_006267.5 (MANE Select); coding-DNA position 4949, C replaced by T.
Protein change: p.Thr1650Ile; replaces threonine 1650 with isoleucine.
Molecular consequence: missense variant.
Genome position (GRCh38, 1-based): chr2:108,765,488, C>T. VCF-style: chr2-108765488-C-T. GRCh37 (hg19) VCF-style: chr2-109381944-C-T.
Other names: short protein forms T1650I.
Identifiers: ClinVar variation 952735 (VCV000952735.12), dbSNP rs1677054108, ClinGen allele CA348069510.
Genomic context (GRCh38, chr2:108,765,488, plus strand): 5'-AGAATCCAGGTAAACAAAATCAAACTACTTCTGCAGTTTCAACACCTGCCTCTTCAGAGA[C>T]AAGCAAGGCTCCAAAGAGCGGATTTGAGGGAATGTTCACTAAGAAGGAGGGACAGTGGGA-3'
Protein context (NP_006258.3, residues 1640-1660): SAVSTPASSE[Thr1650Ile]SKAPKSGFEG